The following is an entry in ClinVar:

ClinVar aggregate classification (germline): Uncertain significance. Review status: criteria provided, multiple submitters, no conflicts (2 of 4 stars). 2 submissions from 2 submitters: Uncertain significance (2). Last evaluated 2025-08-10.

Conditions:
Inborn genetic diseases. Identifiers: MedGen C0950123, MeSH D030342.

gnomAD v4.1: 1 of 1,613,700 alleles (0.000062%); highest among the groups gnomAD compares: East Asian, 0.0022%; no homozygotes.

Submissions (2):

Ambry Genetics
Classification: Uncertain significance for Inborn genetic diseases. Last evaluated: 2025-08-10. Review status: criteria provided, single submitter. Criteria: Ambry Variant Classification Scheme 2023. Collection method: clinical testing. Allele origin: germline.

GeneDx
Classification: Uncertain significance. Last evaluated: 2024-04-21. Review status: criteria provided, single submitter. Criteria: GeneDx Variant Classification Process June 2021. Collection method: clinical testing. Allele origin: germline. Affected: yes.
Comment: Not observed at significant frequency in large population cohorts (gnomAD); In silico analysis indicates that this missense variant does not alter protein structure/function; Has not been previously published as pathogenic or benign to our knowledge

NM_000899.5(KITLG):c.647C>A (p.Ala216Glu)

Gene: KITLG (KIT ligand; minus strand). Cytogenetic location: 12q21.32.
Variant type: single nucleotide variant.
Coding change: c.647C>A on transcript NM_000899.5 (MANE Select); coding-DNA position 647, C replaced by A.
Protein change: p.Ala216Glu; replaces alanine 216 with glutamic acid.
Molecular consequence: missense variant.
Genome position (GRCh38, 1-based): chr12:88,507,095, G>T on the plus strand (C>A on the coding strand, the complement: KITLG is on the minus strand). VCF-style: chr12-88507095-G-T. GRCh37 (hg19) VCF-style: chr12-88900872-G-T.
Other names: c.563C>A, p.Ala188Glu (NM_003994.6); short protein forms A188E, A216E.
Identifiers: ClinVar variation 3372863 (VCV003372863.2).
Genomic context (GRCh38, chr12:88,507,095, plus strand): 5'-TATAAGGCTCCAAAAGCAAAGCCAATTATAAGAGAAAACAATGCTGGCAATGCCATGGCT[G>T]CCCAGTGTAGGCTGGAGTCTCCAGGGGGATTTTTGGCCTTCCCTATAATTTAAAGAACAC-3'
Protein context (NP_000890.1, residues 206-226): NPPGDSSLHW[Ala216Glu]AMALPALFSL